The following is an entry in ClinVar:

ClinVar aggregate classification (germline): Likely pathogenic (1 of 4 stars; one submission).

Conditions:
Ehlers-Danlos syndrome, classic type, 1 (EDSCL1). Also called: EHLERS-DANLOS SYNDROME, GRAVIS TYPE; EHLERS-DANLOS SYNDROME, SEVERE CLASSIC TYPE; Ehlers-Danlos syndrome, type 1; Ehlers-Danlos Syndrome, Classic Type, COL5A1-Related; EDS I. Identifiers: MedGen C0268335, MONDO:0019567, OMIM 130000.
Osteogenesis imperfecta type I (OI1). Also called: OI, TYPE I; OSTEOGENESIS IMPERFECTA TARDA; OSTEOGENESIS IMPERFECTA WITH BLUE SCLERAE; Osteogenesis imperfecta type 1; Lobstein's Disease; Lobstein disease. Identifiers: Orphanet 216796, Orphanet 666, MedGen C0023931, MONDO:0008146, OMIM 166200. Disease mechanism: loss of function.

Submission:

Labcorp Genetics (formerly Invitae), Labcorp
Classification: Likely pathogenic for Osteogenesis imperfecta type I; Ehlers-Danlos syndrome, classic type, 1. Last evaluated: 2024-10-13. Review status: criteria provided, single submitter. Criteria: Invitae Variant Classification Sherloc (09022015). Collection method: clinical testing. Allele origin: germline.
Comment: This sequence change replaces glycine, which is neutral and non-polar, with cysteine, which is neutral and slightly polar, at codon 406 of the COL1A2 protein (p.Gly406Cys). This variant is not present in population databases (gnomAD no frequency). This missense change has been observed in individual(s) with osteogenesis imperfecta (internal data). Invitae Evidence Modeling of protein sequence and biophysical properties (such as structural, functional, and spatial information, amino acid conservation, physicochemical variation, residue mobility, and thermodynamic stability) indicates that this missense variant is expected to disrupt COL1A2 protein function with a positive predictive value of 95%. This variant disrupts the triple helix domain of COL1A2. Glycine residues within the Gly-Xaa-Yaa repeats of the triple helix domain are required for the structure and stability of fibrillar collagens (PMID: 7695699, 8218237, 19344236). In COL1A2, variants affecting these glycine residues are significantly enriched in individuals with disease (PMID: 9016532, 17078022) compared to the general population (ExAC). This variant disrupts the p.Gly406 amino acid residue in COL1A2. Other variant(s) that disrupt this residue have been observed in individuals with COL1A2-related conditions (PMID: 15241796), which suggests that this may be a clinically significant amino acid residue. In summary, the currently available evidence indicates that the variant is pathogenic, but additional data are needed to prove that conclusively. Therefore, this variant has been classified as Likely Pathogenic.

Literature cited by the submitters: PubMed 7695699; PubMed 8218237; PubMed 19344236; PubMed 9016532; PubMed 17078022; PubMed 15241796.

NM_000089.4(COL1A2):c.1216G>T (p.Gly406Cys)

Gene: COL1A2 (collagen type I alpha 2 chain; plus strand). Cytogenetic location: 7q21.3.
Variant type: single nucleotide variant.
Coding change: c.1216G>T on transcript NM_000089.4 (MANE Select); coding-DNA position 1216, G replaced by T.
Protein change: p.Gly406Cys; replaces glycine 406 with cysteine.
Molecular consequence: missense variant.
Genome position (GRCh38, 1-based): chr7:94,410,907, G>T. VCF-style: chr7-94410907-G-T. GRCh37 (hg19) VCF-style: chr7-94040219-G-T.
Other names: short protein forms G406C.
Identifiers: ClinVar variation 3758889 (VCV003758889.2).
Genomic context (GRCh38, chr7:94,410,907, plus strand): 5'-GAGATTTCTTTAATTCTCTCTATTTCATGTACTTTCTTGCAGGGTAGTCCTGGTTCTCGT[G>T]GTCTTCCTGGAGCTGATGGCAGAGCTGGCGTCATGGTAAGCTGTCTATCACTTACTTCCT-3'
Protein context (NP_000080.2, residues 396-416): PGLRGSPGSR[Gly406Cys]LPGADGRAGV